The following is an entry in ClinVar:

ClinVar aggregate classification (germline): Conflicting classifications of pathogenicity. Review status: criteria provided, conflicting classifications (1 of 4 stars). 3 submissions from 2 submitters: Uncertain significance (2); Likely benign (1). Last evaluated 2023-06-29.

Conditions:
Inborn genetic diseases. Identifiers: MedGen C0950123, MeSH D030342.
Sacral defect with anterior meningocele. Identifiers: MedGen C1838568, OMIM 600145.
Neural tube defect (NTD). Also called: Neural tube defects. Identifiers: Orphanet 3388, Orphanet 823, MedGen C0027794, MONDO:0018075, HP:0045005.

Allele frequency attached by ClinVar (database versions not stated): gnomAD 0.00001 and 0.00002; gnomAD exomes 0.00001 and 0.00004; TOPMed 0.00002; ExAC 0.00004.
gnomAD v4.1: 25 of 1,614,088 alleles (0.0015%); highest among the groups gnomAD compares: East Asian, 0.053%; no homozygotes.

Submissions (3):

Ambry Genetics
Classification: Uncertain significance for Inborn genetic diseases. Last evaluated: 2023-06-29. Review status: criteria provided, single submitter. Criteria: Ambry Variant Classification Scheme 2023. Collection method: clinical testing. Allele origin: germline.

Illumina Laboratory Services, Illumina
Classification: Uncertain significance for Neural tube defects, susceptibility to. Last evaluated: 2018-01-12. Review status: criteria provided, single submitter. Criteria: ICSL Variant Classification Criteria 13 December 2019. Collection method: clinical testing. Allele origin: germline.

Illumina Laboratory Services, Illumina
Classification: Likely benign for Sacral defect with anterior meningocele. Last evaluated: 2018-01-12. Review status: criteria provided, single submitter. Criteria: ICSL Variant Classification Criteria 13 December 2019. Collection method: clinical testing. Allele origin: germline.
Comment: This variant was observed in the ICSL laboratory as part of a predisposition screen in an ostensibly healthy population. It had not been previously curated by ICSL or reported in the Human Gene Mutation Database (HGMD: prior to June 1st, 2018), and was therefore a candidate for classification through an automated scoring system. Utilizing variant allele frequency, disease prevalence and penetrance estimates, and inheritance mode, an automated score was calculated to assess if this variant is too frequent to cause the disease. Based on the score and internal cut-off values, a variant classified as likely benign is not then subjected to further curation. The score for this variant resulted in a classification of likely benign for this disease.

NM_138959.3(VANGL1):c.572T>C (p.Val191Ala)

Gene: VANGL1 (VANGL planar cell polarity protein 1; plus strand). Cytogenetic location: 1p13.1.
Variant type: single nucleotide variant.
Coding change: c.572T>C on transcript NM_138959.3 (MANE Select); coding-DNA position 572, T replaced by C.
Protein change: p.Val191Ala; replaces valine 191 with alanine.
Molecular consequence: missense variant.
Genome position (GRCh38, 1-based): chr1:115,664,028, T>C. VCF-style: chr1-115664028-T-C. GRCh37 (hg19) VCF-style: chr1-116206649-T-C.
Other names: c.566T>C, p.Val189Ala (NM_001172411.2); c.572T>C, p.Val191Ala (NM_001172412.2); short protein forms V191A, V189A.
Identifiers: ClinVar variation 292006 (VCV000292006.7), dbSNP rs781010619, ClinGen allele CA1023271.
Genomic context (GRCh38, chr1:115,664,028, plus strand): 5'-TTTTCCGCAAGCGGAGAGCTGACATGCCACGGGTGTTTGTGTTTCGTGCCCTTTTGTTGG[T>C]CCTCATCTTTCTCTTTGTGGTTTCCTATTGGCTTTTTTACGGGGTCCGCATTTTGGACTC-3'
Protein context (NP_620409.1, residues 181-201): RVFVFRALLL[Val191Ala]LIFLFVVSYW